The following is an entry in ClinVar:

ClinVar aggregate classification (germline): Uncertain significance. Review status: criteria provided, multiple submitters, no conflicts (2 of 4 stars). 2 submissions from 2 submitters: Uncertain significance (2). Last evaluated 2026-08-23.

Conditions:
Cardiovascular phenotype. Identifiers: MedGen CN230736.

Submissions (2):

Ambry Genetics
Classification: Uncertain significance for Cardiovascular phenotype. Last evaluated: 2026-08-23. Review status: criteria provided, single submitter. Criteria: Ambry Variant Classification Scheme 2023. Collection method: clinical testing. Allele origin: germline.

GeneDx
Classification: Uncertain significance. Last evaluated: 2025-04-16. Review status: criteria provided, single submitter. Criteria: GeneDx Variant Classification Process June 2021. Collection method: clinical testing. Allele origin: germline. Affected: yes.
Comment: Not observed at significant frequency in large population cohorts (gnomAD); Missense variants in this gene are a common cause of disease and they are underrepresented in the general population; In silico analysis indicates that this missense variant does not alter protein structure/function; Has not been previously published as pathogenic or benign to our knowledge

NM_004333.6(BRAF):c.1068A>C (p.Gln356His)

Genes: BRAF (B-Raf proto-oncogene, serine/threonine kinase; minus strand), LOC126860202 (BRD4-independent group 4 enhancer GRCh37_chr7:140493623-140494822; plus strand). Cytogenetic location: 7q34.
Variant type: single nucleotide variant.
Coding change: c.1068A>C on transcript NM_004333.6 (MANE Select); coding-DNA position 1068, A replaced by C.
Protein change: p.Gln356His; replaces glutamine 356 with histidine.
Molecular consequence: missense variant.
Genome position (GRCh38, 1-based): chr7:140,794,380, T>G on the plus strand (A>C on the coding strand, the complement: BRAF is on the minus strand). VCF-style: chr7-140794380-T-G. GRCh37 (hg19) VCF-style: chr7-140494180-T-G.
Other names: c.1068A>C, p.Gln356His (NM_001354609.2, NM_001374244.1, NM_001374258.1 and 4 more transcripts); c.1077A>C, p.Gln359His (NM_001378467.1); c.966A>C, p.Gln322His (NM_001378470.1); c.912A>C, p.Gln304His (NM_001378472.1, NM_001378473.1); c.804A>C, p.Gln268His (NM_001378475.1); short protein forms Q268H, Q304H, Q322H, Q356H, Q359H.
Identifiers: ClinVar variation 4282250 (VCV004282250.2).